The following is an entry in ClinVar:

ClinVar aggregate classification (germline): Uncertain significance (1 of 4 stars; one submission).

Submission:

GeneDx
Classification: Uncertain significance. Last evaluated: 2022-02-02. Review status: criteria provided, single submitter. Criteria: GeneDx Variant Classification Process June 2021. Collection method: clinical testing. Allele origin: germline. Affected: yes.
Comment: Not observed at significant frequency in large population cohorts (gnomAD); In silico analysis supports that this missense variant has a deleterious effect on protein structure/function; Has not been previously published as pathogenic or benign to our knowledge

NM_001394998.1(TANC2):c.2588G>C (p.Gly863Ala)

Gene: TANC2 (tetratricopeptide repeat, ankyrin repeat and coiled-coil containing 2; plus strand). Cytogenetic location: 17q23.3.
Variant type: single nucleotide variant.
Coding change: c.2588G>C on transcript NM_001394998.1 (MANE Select); coding-DNA position 2588, G replaced by C.
Protein change: p.Gly863Ala; replaces glycine 863 with alanine.
Molecular consequence: missense variant.
Genome position (GRCh38, 1-based): chr17:63,379,723, G>C. VCF-style: chr17-63379723-G-C. GRCh37 (hg19) VCF-style: chr17-61457084-G-C.
Other names: c.2366G>C, p.Gly789Ala (NM_025185.4); short protein forms G789A, G863A.
Identifiers: ClinVar variation 1700514 (VCV001700514.2), dbSNP rs2147079477, ClinGen allele CA400529501.
Genomic context (GRCh38, chr17:63,379,723, plus strand): 5'-CATCTCAATAAATAAATAAATTAATTAATTAAAATGAATTTCTCTTTTTTTGCAGGAGTG[G>C]TCACACGTTACTTGCCTTCTGGTTTTCCCGCCAAGAGGGAAAACTAAACCGACAGCAGAC-3'
Protein context (NP_001381927.1, residues 853-873): KTKFLCDPRS[Gly863Ala]HTLLAFWFSR